The following is an entry in ClinVar:

ClinVar aggregate classification (germline): Uncertain significance (1 of 4 stars; one submission).

Conditions:
Hereditary pancreatitis (PCTT). Also called: PRSS1-Related Hereditary Pancreatitis; Hereditary chronic pancreatitis. Identifiers: Orphanet 676, MedGen C0238339, MONDO:0008185, OMIM 167800.

Submission:

Ambry Genetics
Classification: Uncertain significance for Hereditary pancreatitis. Last evaluated: 2025-02-16. Review status: criteria provided, single submitter. Criteria: Ambry Variant Classification Scheme 2023. Collection method: clinical testing. Allele origin: germline.
Comment: The p.V214L variant (also known as c.640G>C), located in coding exon 5 of the PRSS1 gene, results from a G to C substitution at nucleotide position 640. The valine at codon 214 is replaced by leucine, an amino acid with highly similar properties. This amino acid position is conserved. In addition, the in silico prediction for this alteration is inconclusive. Based on the available evidence, the clinical significance of this variant remains unclear.

NM_002769.5(PRSS1):c.640G>C (p.Val214Leu)

Genes: PRSS1 (serine protease 1; plus strand), TRB (T cell receptor beta locus; plus strand). Cytogenetic location: 7q34.
Variant type: single nucleotide variant.
Coding change: c.640G>C on transcript NM_002769.5 (MANE Select); coding-DNA position 640, G replaced by C.
Protein change: p.Val214Leu; replaces valine 214 with leucine.
Molecular consequence: missense variant. On other transcripts: non-coding transcript variant (5).
Genome position (GRCh38, 1-based): chr7:142,752,916, G>C. VCF-style: chr7-142752916-G-C. GRCh37 (hg19) VCF-style: chr7-142460767-G-C.
Other names: short protein forms V214L.
Identifiers: ClinVar variation 3783990 (VCV003783990.1).